The following is an entry in ClinVar:

NM_004924.6(ACTN4):c.1840G>A (p.Val614Ile)

Gene: ACTN4 (actinin alpha 4; plus strand). Cytogenetic location: 19q13.2.
Variant type: single nucleotide variant.
Coding change: c.1840G>A on transcript NM_004924.6 (MANE Select); coding-DNA position 1840, G replaced by A.
Protein change: p.Val614Ile; replaces valine 614 with isoleucine.
Molecular consequence: missense variant.
Genome position (GRCh38, 1-based): chr19:38,724,304, G>A. VCF-style: chr19-38724304-G-A. GRCh37 (hg19) VCF-style: chr19-39214944-G-A.
Other names: c.1840G>A, p.Val614Ile (NM_001322033.2); short protein forms V614I.
Identifiers: ClinVar variation 1035100 (VCV001035100.10), dbSNP rs564122319, ClinGen allele CA9417792.
Genomic context (GRCh38, chr19:38,724,304, plus strand): 5'-GCCCAGAGGATCGCTGAGAGCAACCACATCAAGCTGTCGGGCAGCAACCCCTACACCACC[G>A]TCACCCCGCAAATCATCAACTCCAAGTGGGAGAAGGTGGGCCGGGGCCATCCGTAGGGGC-3'
Protein context (NP_004915.2, residues 604-624): KLSGSNPYTT[Val614Ile]TPQIINSKWE

ClinVar aggregate classification (germline): Uncertain significance. Review status: criteria provided, multiple submitters, no conflicts (2 of 4 stars). 3 submissions from 3 submitters: Uncertain significance (3). Last evaluated 2022-11-05.

Conditions:
Focal segmental glomerulosclerosis 1 (FSGS1). Identifiers: Orphanet 656, MedGen C4551527, MONDO:0011303, OMIM 603278.

Allele frequency attached by ClinVar (database versions not stated): gnomAD exomes below 0.00001; ExAC 0.00001; TOPMed 0.00003; gnomAD 0.00004 and 0.00005.
gnomAD v4.1: 23 of 1,613,638 alleles (0.0014%); highest among the groups gnomAD compares: Middle Eastern, 0.033%; no homozygotes.

Submissions (3):

Labcorp Genetics (formerly Invitae), Labcorp
Classification: Uncertain significance. Last evaluated: 2022-11-05. Review status: criteria provided, single submitter. Criteria: Invitae Variant Classification Sherloc (09022015). Collection method: clinical testing. Allele origin: germline.
Comment: This sequence change replaces valine, which is neutral and non-polar, with isoleucine, which is neutral and non-polar, at codon 614 of the ACTN4 protein (p.Val614Ile). This variant is present in population databases (rs564122319, gnomAD 0.008%). In summary, the available evidence is currently insufficient to determine the role of this variant in disease. Therefore, it has been classified as a Variant of Uncertain Significance. Algorithms developed to predict the effect of missense changes on protein structure and function are either unavailable or do not agree on the potential impact of this missense change (SIFT: "Not Available"; PolyPhen-2: "Benign"; Align-GVGD: "Not Available"). ClinVar contains an entry for this variant (Variation ID: 1035100). This variant has not been reported in the literature in individuals affected with ACTN4-related conditions.

Blueprint Genetics
Classification: Uncertain significance. Last evaluated: 2022-10-20. Review status: criteria provided, single submitter. Criteria: ACMG Guidelines, 2015. Collection method: clinical testing. Allele origin: germline.

Fulgent Genetics
Classification: Uncertain significance for Focal segmental glomerulosclerosis 1. Last evaluated: 2022-04-12. Review status: criteria provided, single submitter. Criteria: ACMG Guidelines, 2015. Collection method: clinical testing. Allele origin: unknown.